The following is an entry in ClinVar:

ClinVar aggregate classification (germline): Uncertain significance (1 of 4 stars; one submission).

Conditions:
Autoimmune lymphoproliferative syndrome type 2A (ALPS2A). Also called: AUTOIMMUNE LYMPHOPROLIFERATIVE SYNDROME, TYPE IIA; Autoimmune lymphoproliferative syndrome type 2; CASP10-Related Autoimmune Lymphoproliferative Syndrome. Identifiers: Orphanet 3261, MedGen C1858968, MONDO:0011383, OMIM 603909.

Submission:

Labcorp Genetics (formerly Invitae), Labcorp
Classification: Uncertain significance for Autoimmune lymphoproliferative syndrome type 2A. Last evaluated: 2025-07-08. Review status: criteria provided, single submitter. Criteria: Invitae Variant Classification Sherloc (09022015). Collection method: clinical testing. Allele origin: germline.
Comment: This sequence change replaces glycine, which is neutral and non-polar, with alanine, which is neutral and non-polar, at codon 210 of the CASP10 protein (p.Gly210Ala). This variant is not present in population databases (gnomAD no frequency). This variant has not been reported in the literature in individuals affected with CASP10-related conditions. ClinVar contains an entry for this variant (Variation ID: 2951975). An algorithm developed to predict the effect of missense changes on protein structure and function outputs the following: PolyPhen-2: "Benign". The alanine amino acid residue is found in multiple mammalian species, which suggests that this missense change does not adversely affect protein function. In summary, the available evidence is currently insufficient to determine the role of this variant in disease. Therefore, it has been classified as a Variant of Uncertain Significance.

NM_032977.4(CASP10):c.629G>C (p.Gly210Ala)

Gene: CASP10 (caspase 10; plus strand). Cytogenetic location: 2q33.1.
Variant type: single nucleotide variant.
Coding change: c.629G>C on transcript NM_032977.4 (MANE Select); coding-DNA position 629, G replaced by C.
Protein change: p.Gly210Ala; replaces glycine 210 with alanine.
Molecular consequence: missense variant.
Genome position (GRCh38, 1-based): chr2:201,195,893, G>C. VCF-style: chr2-201195893-G-C. GRCh37 (hg19) VCF-style: chr2-202060616-G-C.
Other names: c.629G>C, p.Gly210Ala (NM_001206524.2, NM_001206542.2, NM_001230.5 and 3 more transcripts); short protein forms G210A.
Identifiers: ClinVar variation 2951975 (VCV002951975.3), dbSNP rs2469396177, ClinGen allele CA350279660.
Genomic context (GRCh38, chr2:201,195,893, plus strand): 5'-TATTTTCAGCTATCCAGATAGTGACACCTCCTGTAGACAAGGAAGCCGAGTCGTATCAAG[G>C]AGAGGAAGAACTAGTTTCCCAAACAGATGTTAAGACATTCTTGGAAGCCTTACCGGTAGG-3'
Protein context (NP_116759.2, residues 200-220): PVDKEAESYQ[Gly210Ala]EEELVSQTDV